The following is an entry in ClinVar:

ClinVar aggregate classification (germline): Uncertain significance (1 of 4 stars; one submission).

Conditions:
Inborn genetic diseases. Identifiers: MedGen C0950123, MeSH D030342.

Submission:

Ambry Genetics
Classification: Uncertain significance for Inborn genetic diseases. Last evaluated: 2026-08-16. Review status: criteria provided, single submitter. Criteria: Ambry Variant Classification Scheme 2023. Collection method: clinical testing. Allele origin: germline.
Comment: The p.P607S variant (also known as c.1819C>T), located in coding exon 12 of the ERCC6L2 gene, results from a C to T substitution at nucleotide position 1819. The proline at codon 607 is replaced by serine, an amino acid with similar properties. This amino acid position is conserved. In addition, this alteration is predicted to be deleterious by in silico analysis. Based on the available evidence, the clinical significance of this variant remains unclear.

NM_020207.7(ERCC6L2):c.1819C>T (p.Pro607Ser)

Gene: ERCC6L2 (ERCC excision repair 6 like 2; plus strand). Cytogenetic location: 9q22.32.
Variant type: single nucleotide variant.
Coding change: c.1819C>T on transcript NM_020207.7 (MANE Select); coding-DNA position 1819, C replaced by T.
Protein change: p.Pro607Ser; replaces proline 607 with serine.
Molecular consequence: missense variant. On other transcripts: non-coding transcript variant (1).
Genome position (GRCh38, 1-based): chr9:95,941,521, C>T. VCF-style: chr9-95941521-C-T. GRCh37 (hg19) VCF-style: chr9-98703803-C-T.
Other names: c.1819C>T, p.Pro607Ser (NM_001010895.4, NM_001375291.1, NM_001375292.1 and 2 more transcripts); short protein forms P607S.
Identifiers: ClinVar variation 5036104 (VCV005036104.1).